The following is an entry in ClinVar:

ClinVar aggregate classification (germline): Uncertain significance (1 of 4 stars; one submission).

gnomAD v4.1: 2 of 1,614,218 alleles (0.00012%); highest among the groups gnomAD compares: Non-Finnish European, 0.00017%; no homozygotes.

Submission:

GeneDx
Classification: Uncertain significance. Last evaluated: 2026-02-27. Review status: criteria provided, single submitter. Criteria: GeneDx Variant Classification Process June 2021. Collection method: clinical testing. Allele origin: germline.
Comment: In silico analysis supports that this missense variant has a deleterious effect on protein structure/function; Has not been previously published as pathogenic or benign to our knowledge

NM_000875.5(IGF1R):c.3577T>G (p.Ser1193Ala)

Gene: IGF1R (insulin like growth factor 1 receptor; plus strand). Cytogenetic location: 15q26.3.
Variant type: single nucleotide variant.
Coding change: c.3577T>G on transcript NM_000875.5 (MANE Select); coding-DNA position 3577, T replaced by G.
Protein change: p.Ser1193Ala; replaces serine 1193 with alanine.
Molecular consequence: missense variant.
Genome position (GRCh38, 1-based): chr15:98,943,042, T>G. VCF-style: chr15-98943042-T-G. GRCh37 (hg19) VCF-style: chr15-99486271-T-G.
Other names: c.3574T>G, p.Ser1192Ala (NM_001291858.2); short protein forms S1192A, S1193A.
Identifiers: ClinVar variation 5008204 (VCV005008204.1).